The following is an entry in ClinVar:

NM_002968.3(SALL1):c.3470C>G (p.Thr1157Ser)

Gene: SALL1 (spalt like transcription factor 1; minus strand). Cytogenetic location: 16q12.1.
Variant type: single nucleotide variant.
Coding change: c.3470C>G on transcript NM_002968.3 (MANE Select); coding-DNA position 3470, C replaced by G.
Protein change: p.Thr1157Ser; replaces threonine 1157 with serine.
Molecular consequence: missense variant.
Genome position (GRCh38, 1-based): chr16:51,138,752, G>C on the plus strand (C>G on the coding strand, the complement: SALL1 is on the minus strand). VCF-style: chr16-51138752-G-C. GRCh37 (hg19) VCF-style: chr16-51172663-G-C.
Other names: c.3179C>G, p.Thr1060Ser (NM_001127892.2); short protein forms T1060S, T1157S.
Identifiers: ClinVar variation 3778527 (VCV003778527.7).

ClinVar aggregate classification (germline): Uncertain significance (1 of 4 stars; one submission).

Submission:

CeGaT Center for Human Genetics Tuebingen
Classification: Uncertain significance. Last evaluated: 2025-03-01. Review status: criteria provided, single submitter. Criteria: CeGaT Center For Human Genetics Tuebingen Variant Classification Criteria Version 2. Collection method: clinical testing. Allele origin: germline. Affected: yes. Observed: 1 variant allele.
Comment: SALL1: PM2